The following is an entry in ClinVar:

ClinVar aggregate classification (germline): Conflicting classifications of pathogenicity. Review status: criteria provided, conflicting classifications (1 of 4 stars). 3 submissions from 3 submitters: Uncertain significance (1); Likely benign (1). 1 of the submissions does not count toward it. Last evaluated 2022-06-20.

Conditions:
NEU1-related disorder. Also called: NEU1-related condition.
Inborn genetic diseases. Identifiers: MedGen C0950123, MeSH D030342.

Allele frequency attached by ClinVar (database versions not stated): ExAC 0.00003; gnomAD 0.00005; gnomAD exomes 0.00005 and 0.00007; TOPMed 0.00006.

Submissions (3):

Labcorp Genetics (formerly Invitae), Labcorp
Classification: Uncertain significance. Last evaluated: 2022-06-20. Review status: criteria provided, single submitter. Criteria: Invitae Variant Classification Sherloc (09022015). Collection method: clinical testing. Allele origin: germline.
Comment: This sequence change replaces arginine, which is basic and polar, with glutamine, which is neutral and polar, at codon 397 of the NEU1 protein (p.Arg397Gln). This variant is present in population databases (rs201758481, gnomAD 0.02%). This variant has not been reported in the literature in individuals affected with NEU1-related conditions. ClinVar contains an entry for this variant (Variation ID: 966132). Algorithms developed to predict the effect of missense changes on protein structure and function output the following: SIFT: "Tolerated"; PolyPhen-2: "Benign"; Align-GVGD: "Class C0". The glutamine amino acid residue is found in multiple mammalian species, which suggests that this missense change does not adversely affect protein function. In summary, the available evidence is currently insufficient to determine the role of this variant in disease. Therefore, it has been classified as a Variant of Uncertain Significance.

Ambry Genetics
Classification: Likely benign for Inborn genetic diseases. Last evaluated: 2021-11-15. Review status: criteria provided, single submitter. Criteria: Ambry Variant Classification Scheme 2023. Collection method: clinical testing. Allele origin: germline.

PreventionGenetics, part of Exact Sciences
Classification: Uncertain significance for NEU1-related condition. Last evaluated: 2024-01-11. Review status: no assertion criteria provided. Collection method: clinical testing. Allele origin: germline. Not counted in ClinVar's aggregate classification.
Comment: The NEU1 c.1190G>A variant is predicted to result in the amino acid substitution p.Arg397Gln. To our knowledge, this variant has not been reported in the literature. This variant is reported in 0.017% of alleles in individuals of Latino descent in gnomAD. At this time, the clinical significance of this variant is uncertain due to the absence of conclusive functional and genetic evidence.

NM_000434.4(NEU1):c.1190G>A (p.Arg397Gln)

Gene: NEU1 (neuraminidase 1; minus strand). Cytogenetic location: 6p21.33.
Variant type: single nucleotide variant.
Coding change: c.1190G>A on transcript NM_000434.4 (MANE Select); coding-DNA position 1190, G replaced by A.
Protein change: p.Arg397Gln; replaces arginine 397 with glutamine.
Molecular consequence: missense variant.
Genome position (GRCh38, 1-based): chr6:31,859,777, C>T on the plus strand (G>A on the coding strand, the complement: NEU1 is on the minus strand). VCF-style: chr6-31859777-C-T. GRCh37 (hg19) VCF-style: chr6-31827554-C-T.
Other names: short protein forms R397Q.
Identifiers: ClinVar variation 966132 (VCV000966132.9), dbSNP rs201758481, ClinGen allele CA3724864.